The following is an entry in ClinVar:

NM_058216.3(RAD51C):c.447A>G (p.Gly149=)

Gene: RAD51C (RAD51 paralog C; plus strand). Cytogenetic location: 17q22.
Variant type: single nucleotide variant.
Coding change: c.447A>G on transcript NM_058216.3 (MANE Select); coding-DNA position 447, A replaced by G.
Protein change: p.Gly149=; no amino-acid change (glycine 149 retained).
Molecular consequence: synonymous variant.
Genome position (GRCh38, 1-based): chr17:58,696,735, A>G. VCF-style: chr17-58696735-A-G. GRCh37 (hg19) VCF-style: chr17-56774096-A-G.
Identifiers: ClinVar variation 3903704 (VCV003903704.1).

ClinVar aggregate classification (germline): Benign (1 of 4 stars; one submission).

Conditions:
Breast-ovarian cancer, familial, susceptibility to, 3. Also called: RAD51C-Related Breast/Ovarian Cancer. Identifiers: Orphanet 145, MedGen C3150659, MONDO:0013253, OMIM 613399.

Submission:

Myriad Genetics, Inc.
Classification: Benign for Breast-ovarian cancer, familial, susceptibility to, 3. Last evaluated: 2025-02-18. Review status: criteria provided, single submitter. Criteria: Myriad Autosomal Dominant, Autosomal Recessive and X-Linked Classification Criteria (2023). Collection method: clinical testing. Allele origin: unknown.
Comment: This variant is considered benign. This variant is a silent/synonymous amino acid change and it is not expected to impact splicing.